The following is an entry in ClinVar:

NM_001159699.2(FHL1):c.885G>C (p.Lys295Asn)

Gene: FHL1 (four and a half LIM domains 1; plus strand). Cytogenetic location: Xq26.3.
Variant type: single nucleotide variant.
Coding change: c.885G>C on transcript NM_001159699.2 (MANE Select); coding-DNA position 885, G replaced by C.
Protein change: p.Lys295Asn; replaces lysine 295 with asparagine.
Molecular consequence: missense variant. On other transcripts: 3 prime UTR variant (6), non-coding transcript variant (1).
Genome position (GRCh38, 1-based): chrX:136,210,019, G>C. VCF-style: chrX-136210019-G-C. GRCh37 (hg19) VCF-style: chrX-135292178-G-C.
Other names: c.837G>C, p.Lys279Asn (NM_001159700.2, NM_001159704.1, NM_001167819.1 and 4 more transcripts); c.924G>C, p.Lys308Asn (NM_001159701.2); c.*65G>C (NM_001159702.3, NM_001159703.2, NM_001330659.2 and 3 more transcripts); short protein forms K279N, K295N, K308N.
Identifiers: ClinVar variation 2441433 (VCV002441433.4), dbSNP rs2521338446, ClinGen allele CA414609952.

ClinVar aggregate classification (germline): Uncertain significance. Review status: criteria provided, multiple submitters, no conflicts (2 of 4 stars). 2 submissions from 2 submitters: Uncertain significance (2). Last evaluated 2024-12-14.

Conditions:
Cardiovascular phenotype. Identifiers: MedGen CN230736.

Allele frequency attached by ClinVar (database versions not stated): gnomAD exomes below 0.00001.
gnomAD v4.1: 1 of 1,211,096 alleles (0.000083%); highest among the groups gnomAD compares: Non-Finnish European, 0.00011%; no homozygotes.

Submissions (2):

Ambry Genetics
Classification: Uncertain significance for Cardiovascular phenotype. Last evaluated: 2024-12-14. Review status: criteria provided, single submitter. Criteria: Ambry Variant Classification Scheme 2023. Collection method: clinical testing. Allele origin: germline.
Comment: The p.K279N variant (also known as c.837G>C), located in coding exon 5 of the FHL1 gene, results from a G to C substitution at nucleotide position 837. The lysine at codon 279 is replaced by asparagine, an amino acid with similar properties. This amino acid position is conserved. In addition, this alteration is predicted to be tolerated by in silico analysis. Based on the available evidence, the clinical significance of this variant remains unclear.

Revvity Omics, Revvity
Classification: Uncertain significance. Last evaluated: 2019-06-26. Review status: criteria provided, single submitter. Criteria: ACMG Guidelines, 2015. Collection method: clinical testing. Allele origin: germline.